The following is an entry in ClinVar:

ClinVar aggregate classification (germline): Likely benign. Review status: reviewed by expert panel (3 of 4 stars). 7 submissions from 7 submitters: Likely benign (1). 6 of the submissions do not count toward it. Last evaluated 2017-06-29.

Conditions:
Hereditary cancer-predisposing syndrome. Also called: Tumor predisposition; Hereditary Cancer Syndrome; Hereditary neoplastic syndrome; Neoplastic Syndromes, Hereditary. Identifiers: Orphanet 140162, MedGen C0027672, MeSH D009386, MONDO:0015356.
Hereditary breast ovarian cancer syndrome. Also called: Breast and ovarian cancer; Hereditary breast and ovarian cancer syndrome; Hereditary breast and ovarian cancer; BRCA1- and BRCA2-Associated Hereditary Breast and Ovarian Cancer; Hereditary breast and ovarian cancer syndrome (HBOC); Hereditary breast and/or ovarian cancer syndrome. Identifiers: Orphanet 145, MedGen C0677776, MeSH D061325, MONDO:0003582. Disease mechanism: loss of function.
Breast-ovarian cancer, familial, susceptibility to, 2 (BROVCA2). Also called: BRCA2 Hereditary Breast and Ovarian Cancer. Identifiers: Orphanet 145, MedGen C2675520, MONDO:0012933, OMIM 612555. Disease mechanism: loss of function.

Allele frequency attached by ClinVar (database versions not stated): gnomAD 0.00001.
gnomAD v4.1: 1 of 1,583,020 alleles (0.000063%); highest among the groups gnomAD compares: African/African-American, 0.0013%; no homozygotes.

Submissions (7):

Evidence-based Network for the Interpretation of Germline Mutant Alleles (ENIGMA)
Classification: Likely benign for Breast-ovarian cancer, familial, susceptibility to, 2. Last evaluated: 2017-06-29. Review status: reviewed by expert panel. Criteria: ENIGMA BRCA1/2 Classification Criteria (2017-06-29). Collection method: curation. Allele origin: germline.
Comment: Synonymous substitution variant, with low bioinformatic likelihood to result in a splicing aberration (Splicing prior probability 0.02).

Labcorp Genetics (formerly Invitae), Labcorp
Classification: Likely benign for Hereditary breast ovarian cancer syndrome. Last evaluated: 2025-11-04. Review status: criteria provided, single submitter. Criteria: Invitae Variant Classification Sherloc (09022015). Collection method: clinical testing. Allele origin: germline. Not counted in ClinVar's aggregate classification.

Women's Health and Genetics/Laboratory Corporation of America, LabCorp
Classification: Likely benign. Last evaluated: 2024-07-18. Review status: criteria provided, single submitter. Criteria: LabCorp Variant Classification Summary - May 2015. Collection method: clinical testing. Allele origin: germline. Not counted in ClinVar's aggregate classification.

Ambry Genetics
Classification: Likely benign for Hereditary cancer-predisposing syndrome. Last evaluated: 2021-06-18. Review status: criteria provided, single submitter. Criteria: Ambry Variant Classification Scheme 2023. Collection method: clinical testing. Allele origin: germline. Not counted in ClinVar's aggregate classification.

GeneDx
Classification: Likely benign. Last evaluated: 2019-01-16. Review status: criteria provided, single submitter. Criteria: GeneDx Variant Classification Process June 2021. Collection method: clinical testing. Allele origin: germline. Affected: yes. Not counted in ClinVar's aggregate classification.

Color Diagnostics, LLC DBA Color Health
Classification: Likely benign for Hereditary cancer-predisposing syndrome. Last evaluated: 2018-03-24. Review status: criteria provided, single submitter. Criteria: ACMG Guidelines, 2015. Collection method: clinical testing. Allele origin: germline. Not counted in ClinVar's aggregate classification.

Counsyl
Classification: Likely benign for Breast-ovarian cancer, familial, susceptibility to, 2. Last evaluated: 2016-06-01. Review status: no assertion criteria provided. Collection method: clinical testing. Allele origin: unknown. Not counted in ClinVar's aggregate classification.

NM_000059.4(BRCA2):c.6906A>G (p.Lys2302=)

Gene: BRCA2 (BRCA2 DNA repair associated; plus strand). Cytogenetic location: 13q13.1.
Variant type: single nucleotide variant.
Coding change: c.6906A>G on transcript NM_000059.4 (MANE Select); coding-DNA position 6906, A replaced by G.
Protein change: p.Lys2302=; no amino-acid change (lysine 2302 retained).
Molecular consequence: synonymous variant.
Genome position (GRCh38, 1-based): chr13:32,344,622, A>G. VCF-style: chr13-32344622-A-G. GRCh37 (hg19) VCF-style: chr13-32918759-A-G.
Identifiers: ClinVar variation 184690 (VCV000184690.23), dbSNP rs786201621, ClinGen allele CA024551.
Genomic context (GRCh38, chr13:32,344,622, plus strand): 5'-ACCCTCAATCAAAAGAAACTTATTAAATGAATTTGACAGGATAATAGAAAATCAAGAAAA[A>G]TCCTTAAAGGCTTCAAAAAGCACTCCAGATGGTAAAATTAGCTTTTTATTTATATCTGTT-3'
Protein context (NP_000050.3, residues 2292-2312): EFDRIIENQE[Lys2302=]SLKASKSTPD